The following is an entry in ClinVar:

NM_003239.5(TGFB3):c.517-1G>C

Gene: TGFB3 (transforming growth factor beta 3; minus strand). Cytogenetic location: 14q24.3.
Variant type: single nucleotide variant.
Coding change: c.517-1G>C on transcript NM_003239.5 (MANE Select); the canonical splice acceptor site of the intron before coding-DNA position 517, G replaced by C.
Molecular consequence: splice acceptor variant.
Genome position (GRCh38, 1-based): chr14:75,971,256, C>G on the plus strand (G>C on the coding strand, the complement: TGFB3 is on the minus strand). VCF-style: chr14-75971256-C-G. GRCh37 (hg19) VCF-style: chr14-76437599-C-G.
Other names: c.517-1G>C (NM_001329939.2, NM_001329938.2).
Identifiers: ClinVar variation 569027 (VCV000569027.7), dbSNP rs1566682530, ClinGen allele CA390469739.

ClinVar aggregate classification (germline): Likely pathogenic (1 of 4 stars; one submission).

Conditions:
Rienhoff syndrome. Also called: LOEYS-DIETZ SYNDROME 5. Identifiers: MedGen C3810012, MONDO:0014262, OMIM 615582.

Submission:

Labcorp Genetics (formerly Invitae), Labcorp
Classification: Likely pathogenic for Rienhoff syndrome. Last evaluated: 2018-06-20. Review status: criteria provided, single submitter. Criteria: Invitae Variant Classification Sherloc (09022015). Collection method: clinical testing. Allele origin: germline.
Comment: In summary, the currently available evidence indicates that the variant is pathogenic, but additional data are needed to prove that conclusively. Therefore, this variant has been classified as Likely Pathogenic. Donor and acceptor splice site variants typically lead to a loss of protein function (PMID: 16199547), and loss-of-function variants in TGFB3 are known to be pathogenic (PMID: 25835445). Algorithms developed to predict the effect of sequence changes on RNA splicing suggest that this variant may disrupt the consensus splice site, but this prediction has not been confirmed by published transcriptional studies. This variant has not been reported in the literature in individuals with TGFB3-related disease. This variant is not present in population databases (ExAC no frequency). This sequence change affects an acceptor splice site in intron 2 of the TGFB3 gene. It is expected to disrupt RNA splicing and likely results in an absent or disrupted protein product.

Literature cited by the submitters: PubMed 16199547; PubMed 25835445.